The following is an entry in ClinVar:

NM_005172.2(ATOH1):c.846G>C (p.Ala282=)

Gene: ATOH1 (atonal bHLH transcription factor 1; plus strand). Cytogenetic location: 4q22.2.
Variant type: single nucleotide variant.
Coding change: c.846G>C on transcript NM_005172.2 (MANE Select); coding-DNA position 846, G replaced by C.
Protein change: p.Ala282=; no amino-acid change (alanine 282 retained).
Molecular consequence: synonymous variant.
Genome position (GRCh38, 1-based): chr4:93,829,772, G>C. VCF-style: chr4-93829772-G-C. GRCh37 (hg19) VCF-style: chr4-94750923-G-C.
Identifiers: ClinVar variation 3039537 (VCV003039537.2), dbSNP rs752679675, ClinGen allele CA3012837.

ClinVar aggregate classification (germline): Likely benign (0 of 4 stars; one submission).

Conditions:
ATOH1-related disorder. Also called: ATOH1-related condition.

Allele frequency attached by ClinVar (database versions not stated): ExAC 0.00007; 1000 Genomes Project 30x 0.00031; TOPMed 0.00042.
gnomAD v4.1: 166 of 1,604,754 alleles (0.01%); highest among the groups gnomAD compares: Admixed American, 0.061%; no homozygotes.

Submission:

PreventionGenetics, part of Exact Sciences
Classification: Likely benign for ATOH1-related condition. Last evaluated: 2020-01-02. Review status: no assertion criteria provided. Collection method: clinical testing. Allele origin: germline.
Comment: This variant is classified as likely benign based on ACMG/AMP sequence variant interpretation guidelines (Richards et al. 2015 PMID: 25741868, with internal and published modifications).